The following is an entry in ClinVar:

NM_002474.3(MYH11):c.502+100C>T

Gene: MYH11 (myosin heavy chain 11; minus strand). Cytogenetic location: 16p13.11.
Variant type: single nucleotide variant.
Coding change: c.502+100C>T on transcript NM_002474.3 (MANE Select); 100 bases into the intron after coding-DNA position 502, C replaced by T.
Molecular consequence: intron variant.
Genome position (GRCh38, 1-based): chr16:15,823,155, G>A on the plus strand (C>T on the coding strand, the complement: MYH11 is on the minus strand). VCF-style: chr16-15823155-G-A. GRCh37 (hg19) VCF-style: chr16-15917012-G-A.
Other names: c.502+100C>T (NM_022844.3, NM_001040114.2, NM_001040113.2).
Identifiers: ClinVar variation 672353 (VCV000672353.2), dbSNP rs2272553, ClinGen allele CA16519661.

ClinVar aggregate classification (germline): Benign. Review status: criteria provided, multiple submitters, no conflicts (2 of 4 stars). 2 submissions from 2 submitters: Benign (2). Last evaluated 2018-06-18.

Allele frequency attached by ClinVar (database versions not stated): 1000 Genomes Project 0.07867; 1000 Genomes Project 30x 0.07870.
gnomAD v4.1: 163,485 of 1,524,752 alleles (11%); highest among the groups gnomAD compares: Middle Eastern, 12%; 9,210 homozygotes.

Submissions (2):

GeneDx
Classification: Benign. Last evaluated: 2018-06-18. Review status: criteria provided, single submitter. Criteria: GeneDx Variant Classification (06012015). Collection method: clinical testing. Allele origin: germline. Affected: yes.
Comment: This variant is considered likely benign or benign based on one or more of the following criteria: it is a conservative change, it occurs at a poorly conserved position in the protein, it is predicted to be benign by multiple in silico algorithms, and/or has population frequency not consistent with disease.

Breakthrough Genomics
Classification: Benign. Review status: criteria provided, single submitter. Criteria: ACMG Guidelines, 2015. Collection method: not provided. Allele origin: germline. Inheritance: Autosomal recessive inheritance. Affected: yes.